The following is an entry in ClinVar:

ClinVar aggregate classification (germline): Uncertain significance (1 of 4 stars; one submission).

Allele frequency attached by ClinVar (database versions not stated): gnomAD exomes below 0.00001; ExAC 0.00001.

Submission:

Labcorp Genetics (formerly Invitae), Labcorp
Classification: Uncertain significance. Last evaluated: 2025-08-03. Review status: criteria provided, single submitter. Criteria: Invitae Variant Classification Sherloc (09022015). Collection method: clinical testing. Allele origin: germline.
Comment: This sequence change replaces arginine, which is basic and polar, with glutamine, which is neutral and polar, at codon 164 of the ANKZF1 protein (p.Arg164Gln). This variant is present in population databases (rs776602507, gnomAD 0.0009%). This variant has not been reported in the literature in individuals affected with ANKZF1-related conditions. ClinVar contains an entry for this variant (Variation ID: 1519283). An algorithm developed to predict the effect of missense changes on protein structure and function outputs the following: PolyPhen-2: "Benign". The glutamine amino acid residue is found in multiple mammalian species, which suggests that this missense change does not adversely affect protein function. In summary, the available evidence is currently insufficient to determine the role of this variant in disease. Therefore, it has been classified as a Variant of Uncertain Significance.

NM_018089.3(ANKZF1):c.491G>A (p.Arg164Gln)

Gene: ANKZF1 (ankyrin repeat and zinc finger peptidyl tRNA hydrolase 1; plus strand). Cytogenetic location: 2q35.
Variant type: single nucleotide variant.
Coding change: c.491G>A on transcript NM_018089.3 (MANE Select); coding-DNA position 491, G replaced by A.
Protein change: p.Arg164Gln; replaces arginine 164 with glutamine.
Molecular consequence: missense variant. On other transcripts: 5 prime UTR variant (1).
Genome position (GRCh38, 1-based): chr2:219,232,616, G>A. VCF-style: chr2-219232616-G-A. GRCh37 (hg19) VCF-style: chr2-220097338-G-A.
Other names: c.491G>A, p.Arg164Gln (NM_001042410.2); c.-140G>A (NM_001282792.2); short protein forms R164Q.
Identifiers: ClinVar variation 1519283 (VCV001519283.6), dbSNP rs776602507, ClinGen allele CA2120764.
Genomic context (GRCh38, chr2:219,232,616, plus strand): 5'-TGGATCGGGAGAGGGCTACATTTGAGAAGTTGAGCCGACCCCCAGGCTTTTACCCTCATC[G>A]AGTTCTTTTCCAGAATGCCCAGGGCCAGTTTCTTTATGCCTACCGCTGTGTCCTAGGCCC-3'
Protein context (NP_060559.2, residues 154-174): LSRPPGFYPH[Arg164Gln]VLFQNAQGQF